The following is an entry in ClinVar:

NM_000553.6(WRN):c.4226T>C (p.Val1409Ala)

Genes: WRN (WRN RecQ like helicase; plus strand), LOC126860342 (MED14-independent group 3 enhancer GRCh37_chr8:31029565-31030764; plus strand). Cytogenetic location: 8p12.
Variant type: single nucleotide variant.
Coding change: c.4226T>C on transcript NM_000553.6 (MANE Select); coding-DNA position 4226, T replaced by C.
Protein change: p.Val1409Ala; replaces valine 1409 with alanine.
Molecular consequence: missense variant.
Genome position (GRCh38, 1-based): chr8:31,173,029, T>C. VCF-style: chr8-31173029-T-C. GRCh37 (hg19) VCF-style: chr8-31030545-T-C.
Other names: short protein forms V1409A.
Identifiers: ClinVar variation 2005162 (VCV002005162.4), dbSNP rs1804161839, ClinGen allele CA370911646.

ClinVar aggregate classification (germline): Uncertain significance (1 of 4 stars; one submission).

Conditions:
Werner syndrome (WRN). Identifiers: Orphanet 902, MedGen C0043119, MONDO:0010196, OMIM 277700.

Allele frequency attached by ClinVar (database versions not stated): gnomAD exomes below 0.00001; TOPMed below 0.00001.
gnomAD v4.1: 1 of 1,613,982 alleles (0.000062%); highest among the groups gnomAD compares: Non-Finnish European, 0.000085%; no homozygotes.

Submission:

Labcorp Genetics (formerly Invitae), Labcorp
Classification: Uncertain significance for Werner syndrome. Last evaluated: 2022-06-12. Review status: criteria provided, single submitter. Criteria: Invitae Variant Classification Sherloc (09022015). Collection method: clinical testing. Allele origin: germline.
Comment: Algorithms developed to predict the effect of missense changes on protein structure and function output the following: SIFT: "Not Available"; PolyPhen-2: "Benign"; Align-GVGD: "Not Available". The alanine amino acid residue is found in multiple mammalian species, which suggests that this missense change does not adversely affect protein function. In summary, the available evidence is currently insufficient to determine the role of this variant in disease. Therefore, it has been classified as a Variant of Uncertain Significance. This variant has not been reported in the literature in individuals affected with WRN-related conditions. This variant is not present in population databases (gnomAD no frequency). This sequence change replaces valine, which is neutral and non-polar, with alanine, which is neutral and non-polar, at codon 1409 of the WRN protein (p.Val1409Ala).